The following is an entry in ClinVar:

NM_024334.3(TMEM43):c.824T>G (p.Phe275Cys)

Gene: TMEM43 (transmembrane protein 43; plus strand). Cytogenetic location: 3p25.1.
Variant type: single nucleotide variant.
Coding change: c.824T>G on transcript NM_024334.3 (MANE Select); coding-DNA position 824, T replaced by G.
Protein change: p.Phe275Cys; replaces phenylalanine 275 with cysteine.
Molecular consequence: missense variant.
Genome position (GRCh38, 1-based): chr3:14,135,850, T>G. VCF-style: chr3-14135850-T-G. GRCh37 (hg19) VCF-style: chr3-14177350-T-G.
Other names: c.827T>G, p.Phe276Cys (NM_001407274.1); c.821T>G, p.Phe274Cys (NM_001407275.1, NM_001407277.1); c.824T>G, p.Phe275Cys (NM_001407276.1); c.809T>G, p.Phe270Cys (NM_001407278.1); c.749T>G, p.Phe250Cys (NM_001407279.1); c.674T>G, p.Phe225Cys (NM_001407280.1); short protein forms F225C, F250C, F270C, F274C, F275C, F276C.
Identifiers: ClinVar variation 1720848 (VCV001720848.5), dbSNP rs2470191211, ClinGen allele CA351535945.

ClinVar aggregate classification (germline): Uncertain significance (1 of 4 stars; one submission).

Conditions:
Arrhythmogenic right ventricular dysplasia 5. Also called: Arrhythmogenic Right Ventricular Dysplasia/Cardiomyopathy 5; ARRHYTHMOGENIC RIGHT VENTRICULAR DYSPLASIA, FAMILIAL, 5. Identifiers: MedGen C1858379, MONDO:0011459, OMIM 604400.

Submission:

Labcorp Genetics (formerly Invitae), Labcorp
Classification: Uncertain significance for Arrhythmogenic right ventricular dysplasia 5. Last evaluated: 2022-07-20. Review status: criteria provided, single submitter. Criteria: Invitae Variant Classification Sherloc (09022015). Collection method: clinical testing. Allele origin: germline.
Comment: In summary, the available evidence is currently insufficient to determine the role of this variant in disease. Therefore, it has been classified as a Variant of Uncertain Significance. Algorithms developed to predict the effect of missense changes on protein structure and function are either unavailable or do not agree on the potential impact of this missense change (SIFT: "Deleterious"; PolyPhen-2: "Possibly Damaging"; Align-GVGD: "Class C0"). This variant has not been reported in the literature in individuals affected with TMEM43-related conditions. This variant is not present in population databases (gnomAD no frequency). This sequence change replaces phenylalanine, which is neutral and non-polar, with cysteine, which is neutral and slightly polar, at codon 275 of the TMEM43 protein (p.Phe275Cys).